The following is an entry in ClinVar:

NM_005359.6(SMAD4):c.934C>T (p.Pro312Ser)

Gene: SMAD4 (SMAD family member 4; plus strand). Cytogenetic location: 18q21.2.
Variant type: single nucleotide variant.
Coding change: c.934C>T on transcript NM_005359.6 (MANE Select); coding-DNA position 934, C replaced by T.
Protein change: p.Pro312Ser; replaces proline 312 with serine.
Molecular consequence: missense variant.
Genome position (GRCh38, 1-based): chr18:51,059,895, C>T. VCF-style: chr18-51059895-C-T. GRCh37 (hg19) VCF-style: chr18-48586265-C-T.
Other names: short protein forms P312S.
Identifiers: ClinVar variation 1057283 (VCV001057283.9), dbSNP rs2144433460, ClinGen allele CA402463699.

ClinVar aggregate classification (germline): Uncertain significance. Review status: criteria provided, multiple submitters, no conflicts (2 of 4 stars). 2 submissions from 2 submitters: Uncertain significance (2). Last evaluated 2025-08-30.

Conditions:
Juvenile polyposis syndrome (JPS). Identifiers: Orphanet 2929, MedGen C0345893, MONDO:0017380, OMIM 174900.
Hereditary cancer-predisposing syndrome. Also called: Tumor predisposition; Neoplastic Syndromes, Hereditary; Hereditary Cancer Syndrome; Hereditary neoplastic syndrome. Identifiers: Orphanet 140162, MedGen C0027672, MeSH D009386, MONDO:0015356.

Submissions (2):

Color Diagnostics, LLC DBA Color Health
Classification: Uncertain significance for Hereditary cancer-predisposing syndrome. Last evaluated: 2025-08-30. Review status: criteria provided, single submitter. Criteria: ACMG Guidelines, 2015. Collection method: clinical testing. Allele origin: germline.
Comment: This missense variant replaces proline with serine at codon 312 of the SMAD4 protein. Computational prediction is inconclusive regarding the impact of this variant on protein structure and function. To our knowledge, functional studies have not been reported for this variant. This variant has not been reported in individuals affected with SMAD4-related disorders in the literature. This variant has not been identified in the general population by the Genome Aggregation Database (gnomAD). The available evidence is insufficient to determine the role of this variant in disease conclusively. Therefore, this variant is classified as a Variant of Uncertain Significance.

Labcorp Genetics (formerly Invitae), Labcorp
Classification: Uncertain significance for Juvenile polyposis syndrome. Last evaluated: 2023-06-04. Review status: criteria provided, single submitter. Criteria: Invitae Variant Classification Sherloc (09022015). Collection method: clinical testing. Allele origin: germline.
Comment: In summary, the available evidence is currently insufficient to determine the role of this variant in disease. Therefore, it has been classified as a Variant of Uncertain Significance. Advanced modeling of protein sequence and biophysical properties (such as structural, functional, and spatial information, amino acid conservation, physicochemical variation, residue mobility, and thermodynamic stability) has been performed at Invitae for this missense variant, however the output from this modeling did not meet the statistical confidence thresholds required to predict the impact of this variant on SMAD4 protein function. ClinVar contains an entry for this variant (Variation ID: 1057283). This variant has not been reported in the literature in individuals affected with SMAD4-related conditions. This variant is not present in population databases (gnomAD no frequency). This sequence change replaces proline, which is neutral and non-polar, with serine, which is neutral and polar, at codon 312 of the SMAD4 protein (p.Pro312Ser).